The following is an entry in ClinVar:

NM_001080442.3(SLC38A8):c.994G>T (p.Gly332Ter)

Gene: SLC38A8 (solute carrier family 38 member 8; minus strand). Cytogenetic location: 16q23.3.
Variant type: single nucleotide variant.
Coding change: c.994G>T on transcript NM_001080442.3 (MANE Select); coding-DNA position 994, G replaced by T.
Protein change: p.Gly332Ter; replaces glycine 332 with a stop codon.
Molecular consequence: nonsense.
Genome position (GRCh38, 1-based): chr16:84,016,687, C>A on the plus strand (G>T on the coding strand, the complement: SLC38A8 is on the minus strand). VCF-style: chr16-84016687-C-A. GRCh37 (hg19) VCF-style: chr16-84050292-C-A.
Other names: short protein forms G332*.
Identifiers: ClinVar variation 3693394 (VCV003693394.2).
Genomic context (GRCh38, chr16:84,016,687, plus strand): 5'-TGGTCAGCGGCATCCGGACCCACAGCCCTGAGGGGTCGGCCAGGGCGCTGGGCCCCCATC[C>A]CCCCAAGCAGCTCCTCCTCCAGAAGTCCTGCATCACTGACCTGGAGGCCACAGCCAACAC-3'

ClinVar aggregate classification (germline): Pathogenic (1 of 4 stars; one submission).

gnomAD v4.1: 2 of 1,613,398 alleles (0.00012%); highest among the groups gnomAD compares: South Asian, 0.0022%; no homozygotes.

Submission:

Labcorp Genetics (formerly Invitae), Labcorp
Classification: Pathogenic. Last evaluated: 2024-03-10. Review status: criteria provided, single submitter. Criteria: Invitae Variant Classification Sherloc (09022015). Collection method: clinical testing. Allele origin: germline.
Comment: This sequence change creates a premature translational stop signal (p.Gly332*) in the SLC38A8 gene. It is expected to result in an absent or disrupted protein product. Loss-of-function variants in SLC38A8 are known to be pathogenic (PMID: 24290379). This variant is not present in population databases (gnomAD no frequency). This variant has not been reported in the literature in individuals affected with SLC38A8-related conditions. For these reasons, this variant has been classified as Pathogenic.

Literature cited by the submitters: PubMed 24290379.